The following is an entry in ClinVar:

NM_006015.6(ARID1A):c.909C>G (p.Ser303Arg)

Genes: ARID1A (AT-rich interaction domain 1A; plus strand), LOC129929837 (ATAC-STARR-seq lymphoblastoid silent region 489; plus strand). Cytogenetic location: 1p36.11.
Variant type: single nucleotide variant.
Coding change: c.909C>G on transcript NM_006015.6 (MANE Select); coding-DNA position 909, C replaced by G.
Protein change: p.Ser303Arg; replaces serine 303 with arginine.
Molecular consequence: missense variant.
Genome position (GRCh38, 1-based): chr1:26,697,312, C>G. VCF-style: chr1-26697312-C-G. GRCh37 (hg19) VCF-style: chr1-27023803-C-G.
Other names: c.909C>G, p.Ser303Arg (NM_139135.4); short protein forms S303R.
Identifiers: ClinVar variation 3030453 (VCV003030453.2), dbSNP rs1297653730, ClinGen allele CA339266780.

ClinVar aggregate classification (germline): Uncertain significance (0 of 4 stars; one submission).

Conditions:
ARID1A-related disorder. Also called: ARID1A-related condition.

Allele frequency attached by ClinVar (database versions not stated): gnomAD 0.00001.
gnomAD v4.1: 1 of 1,347,350 alleles (0.000074%); highest among the groups gnomAD compares: African/African-American, 0.0015%; no homozygotes.

Submission:

PreventionGenetics, part of Exact Sciences
Classification: Uncertain significance for ARID1A-related condition. Last evaluated: 2023-11-02. Review status: no assertion criteria provided. Collection method: clinical testing. Allele origin: germline.
Comment: The ARID1A c.909C>G variant is predicted to result in the amino acid substitution p.Ser303Arg. To our knowledge, this variant has not been reported in the literature or in a large population database, indicating this variant is rare. At this time, the clinical significance of this variant is uncertain due to the absence of conclusive functional and genetic evidence.